The following is an entry in ClinVar:

ClinVar aggregate classification (germline): Uncertain significance (1 of 4 stars; one submission).

Conditions:
Cardiovascular phenotype. Identifiers: MedGen CN230736.

Submission:

Ambry Genetics
Classification: Uncertain significance for Cardiovascular phenotype. Last evaluated: 2016-06-13. Review status: criteria provided, single submitter. Criteria: Ambry Variant Classification Scheme 2023. Collection method: clinical testing. Allele origin: germline.
Comment: The p.V178E variant (also known as c.533T>A), located in coding exon 5 of the MYBPC3 gene, results from a T to A substitution at nucleotide position 533. The valine at codon 178 is replaced by glutamic acid, an amino acid with dissimilar properties. This variant has not been reported in the literature. However, an alteration involving the same amino acid position (p.V178M c.532G>A) has been described in a hypertrophic cardiomyopathy (HCM) cohort (Ho CY et al. Circ Cardiovasc Genet. 2009;2(4):314-21). This amino acid position is highly conserved in available vertebrate species. In addition, this alteration is predicted to be deleterious by in silico analysis. Since supporting evidence is limited at this time, the clinical significance of this alteration remains unclear.

Literature cited by the submitters: PubMed 20031602.

NM_000256.3(MYBPC3):c.533T>A (p.Val178Glu)

Gene: MYBPC3 (myosin binding protein C3; minus strand). Cytogenetic location: 11p11.2.
Variant type: single nucleotide variant.
Coding change: c.533T>A on transcript NM_000256.3 (MANE Select); coding-DNA position 533, T replaced by A.
Protein change: p.Val178Glu; replaces valine 178 with glutamic acid.
Molecular consequence: missense variant.
Genome position (GRCh38, 1-based): chr11:47,349,895, A>T on the plus strand (T>A on the coding strand, the complement: MYBPC3 is on the minus strand). VCF-style: chr11-47349895-A-T. GRCh37 (hg19) VCF-style: chr11-47371446-A-T.
Other names: c.533T>A, p.Val178Glu (LRG_386t1); short protein forms V178E.
Identifiers: ClinVar variation 519061 (VCV000519061.5), dbSNP rs1555123426, ClinGen allele CA380338115.